The following is an entry in ClinVar:

NM_000038.6(APC):c.8416C>A (p.Pro2806Thr)

Gene: APC (APC regulator of Wnt signaling pathway; plus strand). Cytogenetic location: 5q22.2.
Variant type: single nucleotide variant.
Coding change: c.8416C>A on transcript NM_000038.6 (MANE Select); coding-DNA position 8416, C replaced by A.
Protein change: p.Pro2806Thr; replaces proline 2806 with threonine.
Molecular consequence: missense variant. On other transcripts: non-coding transcript variant (2).
Genome position (GRCh38, 1-based): chr5:112,844,010, C>A. VCF-style: chr5-112844010-C-A. GRCh37 (hg19) VCF-style: chr5-112179707-C-A.
Other names: c.8416C>A, p.Pro2806Thr (NM_001127510.3, NM_001354895.2, NM_001407450.1); c.8362C>A, p.Pro2788Thr (NM_001127511.3); c.8470C>A, p.Pro2824Thr (NM_001354896.2, NM_001407447.1, NM_001407448.1 and 1 more transcripts); c.8446C>A, p.Pro2816Thr (NM_001354897.2); c.8341C>A, p.Pro2781Thr (NM_001354898.2); c.8332C>A, p.Pro2778Thr (NM_001354899.2); c.8293C>A, p.Pro2765Thr (NM_001354900.2); c.8239C>A, p.Pro2747Thr (NM_001354901.2, NM_001407453.1); and 11 more; short protein forms P2523T, P2646T, P2680T, P2778T, P2816T, P2715T, P2765T, P2723T.
Identifiers: ClinVar variation 3635530 (VCV003635530.2).

ClinVar aggregate classification (germline): Uncertain significance (1 of 4 stars; one submission).

Conditions:
Familial adenomatous polyposis 1 (FAP1). Also called: FAMILIAL ADENOMATOUS POLYPOSIS 1, ATTENUATED; POLYPOSIS, ADENOMATOUS INTESTINAL. Identifiers: MedGen C2713442, MONDO:0021056, OMIM 175100. Disease mechanism: loss of function.

Submission:

Labcorp Genetics (formerly Invitae), Labcorp
Classification: Uncertain significance for Familial adenomatous polyposis 1. Last evaluated: 2024-02-21. Review status: criteria provided, single submitter. Criteria: Invitae Variant Classification Sherloc (09022015). Collection method: clinical testing. Allele origin: germline.
Comment: This sequence change replaces proline, which is neutral and non-polar, with threonine, which is neutral and polar, at codon 2806 of the APC protein (p.Pro2806Thr). This variant is not present in population databases (gnomAD no frequency). This variant has not been reported in the literature in individuals affected with APC-related conditions. Advanced modeling of protein sequence and biophysical properties (such as structural, functional, and spatial information, amino acid conservation, physicochemical variation, residue mobility, and thermodynamic stability) performed at Invitae indicates that this missense variant is not expected to disrupt APC protein function with a negative predictive value of 95%. In summary, the available evidence is currently insufficient to determine the role of this variant in disease. Therefore, it has been classified as a Variant of Uncertain Significance.